The following is an entry in ClinVar:

ClinVar aggregate classification (germline): Uncertain significance (1 of 4 stars; one submission).

Conditions:
Inborn genetic diseases. Identifiers: MedGen C0950123, MeSH D030342.

Submission:

Ambry Genetics
Classification: Uncertain significance for Inborn genetic diseases. Last evaluated: 2023-12-11. Review status: criteria provided, single submitter. Criteria: Ambry Variant Classification Scheme 2023. Collection method: clinical testing. Allele origin: germline.
Comment: The p.N371I variant (also known as c.1112A>T), located in coding exon 9 of the EPAS1 gene, results from an A to T substitution at nucleotide position 1112. The asparagine at codon 371 is replaced by isoleucine, an amino acid with dissimilar properties. This amino acid position is conserved. In addition, this alteration is predicted to be tolerated by in silico analysis. Since supporting evidence is limited at this time, the clinical significance of this alteration remains unclear.

NM_001430.5(EPAS1):c.1112A>T (p.Asn371Ile)

Gene: EPAS1 (endothelial PAS domain protein 1; plus strand). Cytogenetic location: 2p21.
Variant type: single nucleotide variant.
Coding change: c.1112A>T on transcript NM_001430.5 (MANE Select); coding-DNA position 1112, A replaced by T.
Protein change: p.Asn371Ile; replaces asparagine 371 with isoleucine.
Molecular consequence: missense variant.
Genome position (GRCh38, 1-based): chr2:46,376,616, A>T. VCF-style: chr2-46376616-A-T. GRCh37 (hg19) VCF-style: chr2-46603755-A-T.
Other names: short protein forms N371I.
Identifiers: ClinVar variation 3221523 (VCV003221523.1), dbSNP rs2546471373, ClinGen allele CA346703208.